The following is an entry in ClinVar:

ClinVar aggregate classification (germline): Likely pathogenic (1 of 4 stars; one submission).

Submission:

GeneDx
Classification: Likely pathogenic. Last evaluated: 2025-12-26. Review status: criteria provided, single submitter. Criteria: GeneDx Variant Classification Process June 2021. Collection method: clinical testing. Allele origin: germline.
Comment: Frameshift variant predicted to result in abnormal protein length as the last 497 amino acid(s) are replaced with 20 different amino acid(s), and other similar variants have been reported in HGMD; Not observed at significant frequency in large population cohorts (gnomAD); Has not been previously published as pathogenic or benign to our knowledge

NM_001453.3(FOXC1):c.170del (p.Pro57fs)

Gene: FOXC1 (forkhead box C1; plus strand). Cytogenetic location: 6p25.3.
Variant type: Deletion.
Coding change: c.170del on transcript NM_001453.3 (MANE Select); coding-DNA position 170, one base deleted (C; older notation c.170delC).
Protein change: p.Pro57fs; shifts the reading frame from proline 57.
Molecular consequence: frameshift variant.
Genome position (GRCh38, 1-based): chr6:1,610,615, C deleted; the last of 3 consecutive C bases (chr6:1,610,613-1,610,615); deleting any one gives the same sequence. VCF-style (leftmost placement, unchanged base first): chr6-1610612-AC-A. GRCh37 (hg19) VCF-style: chr6-1610847-AC-A.
Other names: short protein forms P57fs.
Identifiers: ClinVar variation 4528256 (VCV004528256.2).
Genomic context (GRCh38, chr6:1,610,612, plus strand): 5'-GCTACACCGCCATGCCGGCCCCCATGAGCGTGTACTCGCACCCTGCGCACGCCGAGCAGT[AC>A]CCGGGCGGCATGGCCCGCGCCTACGGGCCCTACACGCCGCAGCCGCAGCCCAAGGACATG-3'